The following is an entry in ClinVar:

ClinVar aggregate classification (germline): Uncertain significance (1 of 4 stars; one submission).

Conditions:
Autosomal recessive ataxia, Beauce type. Also called: SYNE1-Related Autosomal Recessive Cerebellar Ataxia; Spinocerebellar ataxia, autosomal recessive 8; ATAXIA, RECESSIVE, OF BEAUCE; SYNE1 Deficiency. Identifiers: Orphanet 88644, MedGen C1853116, MONDO:0012549, OMIM 610743.
Emery-Dreifuss muscular dystrophy 4, autosomal dominant (EDMD4). Also called: EMERY-DREIFUSS MUSCULAR DYSTROPHY 4 WITH VARIABLE FEATURES. Identifiers: Orphanet 261, MedGen C2751807, MONDO:0013071, OMIM 612998.

gnomAD v4.1: 3 of 1,614,124 alleles (0.00019%); highest among the groups gnomAD compares: Admixed American, 0.0017%; no homozygotes.

Submission:

Labcorp Genetics (formerly Invitae), Labcorp
Classification: Uncertain significance for Emery-Dreifuss muscular dystrophy 4, autosomal dominant; Autosomal recessive ataxia, Beauce type. Last evaluated: 2021-08-07. Review status: criteria provided, single submitter. Criteria: Invitae Variant Classification Sherloc (09022015). Collection method: clinical testing. Allele origin: germline.
Comment: In summary, the available evidence is currently insufficient to determine the role of this variant in disease. Therefore, it has been classified as a Variant of Uncertain Significance. Algorithms developed to predict the effect of missense changes on protein structure and function are either unavailable or do not agree on the potential impact of this missense change (SIFT: "Deleterious"; PolyPhen-2: "Benign"; Align-GVGD: "Class C0"). This variant has not been reported in the literature in individuals affected with SYNE1-related conditions. This variant is not present in population databases (ExAC no frequency). This sequence change replaces glutamine with glutamic acid at codon 2495 of the SYNE1 protein (p.Gln2495Glu). The glutamine residue is highly conserved and there is a small physicochemical difference between glutamine and glutamic acid.

NM_182961.4(SYNE1):c.7462C>G (p.Gln2488Glu)

Gene: SYNE1 (spectrin repeat containing nuclear envelope protein 1; minus strand). Cytogenetic location: 6q25.2.
Variant type: single nucleotide variant.
Coding change: c.7462C>G on transcript NM_182961.4 (MANE Select); coding-DNA position 7462, C replaced by G.
Protein change: p.Gln2488Glu; replaces glutamine 2488 with glutamic acid.
Molecular consequence: missense variant.
Genome position (GRCh38, 1-based): chr6:152,396,869, G>C on the plus strand (C>G on the coding strand, the complement: SYNE1 is on the minus strand). VCF-style: chr6-152396869-G-C. GRCh37 (hg19) VCF-style: chr6-152718004-G-C.
Other names: c.7483C>G, p.Gln2495Glu (NM_033071.5); short protein forms Q2495E, Q2488E.
Identifiers: ClinVar variation 1476473 (VCV001476473.6), dbSNP rs756083446, ClinGen allele CA150194849.